The following is an entry in ClinVar:

ClinVar aggregate classification (germline): not provided (0 of 4 stars; one submission).

Conditions:
Small for gestational age. Also called: Low birth weight. Identifiers: MedGen C0235991, HP:0001518.

Submission:

Institute of Molecular and Cell Biology, University of Tartu
No classification provided. Condition: Small for gestational age. Review status: no classification provided. Collection method: case-control. Allele origin: unknown. Affected: yes. Study: Kasak2014.
Comment: The study aimed to determine the contribution of copy number variants in the genetic etiology of normal and complicated pregnancies. The samples represented (i) maternal blood DNA drawn from healthy pregnant women during 1st or 2nd trimester and (ii) maternal and paternal blood DNA drawn at term pregnancy cases representing normal and complicated gestations (severe preeclampsia, PE; gestational diabetes, GD; small-for-gestational age newborn, SGA; large-for-gestational age newborn, LGA). We performed CNV calling based on genome-wide genotyping dataset (Illumina HumanOmniExpress-24-v1 BeadChip) by applying three algorithms, QuantiSNP, GADA (Genome Alteration Detection Algorithm) and CNstream in parallel. The acquired CNV calls were merged with HD-CNV (Hotspot Detector for Copy Number Variants) program and only the CNVs predicted by at least two programs, were considered in subsequent analysis.

Literature cited by the submitters: PubMed 25666259.

NC_000001.11:g.2427505_2438059dup

Gene: PLCH2 (phospholipase C eta 2; plus strand). Cytogenetic location: 1p36.32.
Variant type: Duplication.
Identifiers: ClinVar variation 156726 (VCV000156726.2).